The following is an entry in ClinVar:

ClinVar aggregate classification (germline): Conflicting classifications of pathogenicity. Review status: criteria provided, conflicting classifications (1 of 4 stars). 2 submissions from 2 submitters: Likely pathogenic (1); Uncertain significance (1). Last evaluated 2024-06-21.

Conditions:
Combined immunodeficiency due to partial RAG1 deficiency. Identifiers: Orphanet 231154, MedGen C1835931, MONDO:0012359, OMIM 609889.

gnomAD v4.1: 20 of 1,614,214 alleles (0.0012%); highest among the groups gnomAD compares: East Asian, 0.0022%; no homozygotes.

Submissions (2):

Women's Health and Genetics/Laboratory Corporation of America, LabCorp
Classification: Uncertain significance. Last evaluated: 2024-06-21. Review status: criteria provided, single submitter. Criteria: LabCorp Variant Classification Summary - May 2015. Collection method: clinical testing. Allele origin: germline.
Comment: Variant summary: RAG1 c.2258A>G (p.His753Arg) results in a non-conservative amino acid change in the encoded protein sequence. Five of five in-silico tools predict a damaging effect of the variant on protein function. The variant allele was found at a frequency of 8e-06 in 251410 control chromosomes. c.2258A>G has been reported in the literature in at least one homozygous individual affected with Severe Combined Immunodeficiency (Schuetz_2014). These data indicate that the variant may be associated with disease. To our knowledge, no experimental evidence demonstrating an impact on protein function has been reported. The following publication has been ascertained in the context of this evaluation (PMID: 24144642). ClinVar contains an entry for this variant (Variation ID: 2678199). Based on the evidence outlined above, the variant was classified as VUS-possibly pathogenic.

Baylor Genetics
Classification: Likely pathogenic for Combined immunodeficiency due to partial RAG1 deficiency. Last evaluated: 2024-03-04. Review status: criteria provided, single submitter. Criteria: ACMG Guidelines, 2015. Collection method: clinical testing. Allele origin: unknown.

Literature cited by the submitters: PubMed 24144642 (cited by Women's Health and Genetics/Laboratory Corporation of America, LabCorp).

NM_000448.3(RAG1):c.2258A>G (p.His753Arg)

Gene: RAG1 (recombination activating 1; plus strand). Cytogenetic location: 11p12.
Variant type: single nucleotide variant.
Coding change: c.2258A>G on transcript NM_000448.3 (MANE Select); coding-DNA position 2258, A replaced by G.
Protein change: p.His753Arg; replaces histidine 753 with arginine.
Molecular consequence: missense variant.
Genome position (GRCh38, 1-based): chr11:36,575,562, A>G. VCF-style: chr11-36575562-A-G. GRCh37 (hg19) VCF-style: chr11-36597112-A-G.
Other names: c.2258A>G, p.His753Arg (NM_001377277.1, NM_001377278.1, NM_001377279.1 and 1 more transcripts); short protein forms H753R.
Identifiers: ClinVar variation 2678199 (VCV002678199.3), dbSNP rs199474687, ClinGen allele CA5950235.